The following is an entry in ClinVar:

ClinVar aggregate classification (germline): Uncertain significance (1 of 4 stars; one submission).

Conditions:
Cohen syndrome (COH1). Also called: PEPPER SYNDROME; Cutis verticis gyrata, retinitis pigmentosa, and sensorineural deafness. Identifiers: Orphanet 193, MedGen C0265223, MONDO:0008999, OMIM 216550.

Allele frequency attached by ClinVar (database versions not stated): gnomAD exomes below 0.00001; TOPMed 0.00002.
gnomAD v4.1: 2 of 1,613,942 alleles (0.00012%); highest among the groups gnomAD compares: Non-Finnish European, 0.00017%; no homozygotes.

Submission:

Labcorp Genetics (formerly Invitae), Labcorp
Classification: Uncertain significance for Cohen syndrome. Last evaluated: 2021-08-07. Review status: criteria provided, single submitter. Criteria: Invitae Variant Classification Sherloc (09022015). Collection method: clinical testing. Allele origin: germline.
Comment: Algorithms developed to predict the effect of missense changes on protein structure and function output the following: SIFT: "Not Available"; PolyPhen-2: "Benign"; Align-GVGD: "Not Available". The asparagine amino acid residue is found in multiple mammalian species, which suggests that this missense change does not adversely affect protein function. In summary, the available evidence is currently insufficient to determine the role of this variant in disease. Therefore, it has been classified as a Variant of Uncertain Significance. This variant is not present in population databases (ExAC no frequency). This sequence change replaces serine with asparagine at codon 1109 of the VPS13B protein (p.Ser1109Asn). The serine residue is moderately conserved and there is a small physicochemical difference between serine and asparagine. This variant has not been reported in the literature in individuals affected with VPS13B-related conditions.

NM_152564.5(VPS13B):c.3326G>A (p.Ser1109Asn)

Gene: VPS13B (vacuolar protein sorting 13 homolog B; plus strand). Cytogenetic location: 8q22.2.
Variant type: single nucleotide variant.
Coding change: c.3326G>A on transcript NM_152564.5 (MANE Select); coding-DNA position 3326, G replaced by A.
Protein change: p.Ser1109Asn; replaces serine 1109 with asparagine.
Molecular consequence: missense variant.
Genome position (GRCh38, 1-based): chr8:99,442,516, G>A. VCF-style: chr8-99442516-G-A. GRCh37 (hg19) VCF-style: chr8-100454744-G-A.
Other names: c.3326G>A, p.Ser1109Asn (NM_017890.5); short protein forms S1109N.
Identifiers: ClinVar variation 1363659 (VCV001363659.8), dbSNP rs1474402474, ClinGen allele CA371870755.